The following is an entry in ClinVar:

NM_000257.4(MYH7):c.4816C>G (p.Arg1606Gly)

Genes: MHRT (myosin heavy chain associated RNA transcript; plus strand), MYH7 (myosin heavy chain 7; minus strand), LOC126861897 (BRD4-independent group 4 enhancer GRCh37_chr14:23884455-23885654; plus strand). Cytogenetic location: 14q11.2.
Variant type: single nucleotide variant.
Coding change: c.4816C>G on transcript NM_000257.4 (MANE Select); coding-DNA position 4816, C replaced by G.
Protein change: p.Arg1606Gly; replaces arginine 1606 with glycine.
Molecular consequence: missense variant. On other transcripts: non-coding transcript variant (1).
Genome position (GRCh38, 1-based): chr14:23,416,141, G>C on the plus strand (C>G on the coding strand, the complement: MYH7 is on the minus strand). VCF-style: chr14-23416141-G-C. GRCh37 (hg19) VCF-style: chr14-23885350-G-C.
Other names: c.4816C>G, p.Arg1606Gly (NM_001407004.1); short protein forms R1606G.
Identifiers: ClinVar variation 2959858 (VCV002959858.3), dbSNP rs200530211, ClinGen allele CA389037575.

ClinVar aggregate classification (germline): Uncertain significance. Review status: criteria provided, multiple submitters, no conflicts (2 of 4 stars). 2 submissions from 2 submitters: Uncertain significance (2). Last evaluated 2024-03-05.

Conditions:
Cardiomyopathy (CMYO). Also called: Cardiomyopathies. Identifiers: Orphanet 167848, MedGen C0878544, MONDO:0004994, HP:0001638. Inheritance: Various modes of inheritance.
Hypertrophic cardiomyopathy. Also called: HYPERTROPHIC MYOCARDIOPATHY. Identifiers: Orphanet 217569, MedGen C0007194, MeSH D002312, MONDO:0005045, HP:0001639.

gnomAD v4.1: 1 of 1,614,168 alleles (0.000062%); highest among the groups gnomAD compares: Non-Finnish European, 0.000085%; no homozygotes.

Submissions (2):

All of Us Research Program, National Institutes of Health
Classification: Uncertain significance for Cardiomyopathy. Last evaluated: 2024-03-05. Review status: criteria provided, single submitter. Criteria: ACMG Guidelines, 2015. Collection method: clinical testing. Allele origin: germline. Inheritance: Autosomal dominant inheritance. Observed: 2 variant alleles, 2 heterozygotes.
Comment: This study involves interpretation of variants in research participants for the purpose of population health screening. Participant phenotype was not available at the time of variant classification. Additional details can be found in publication PMID: 35346344, PMCID: PMC8962531

Labcorp Genetics (formerly Invitae), Labcorp
Classification: Uncertain significance for Hypertrophic cardiomyopathy. Last evaluated: 2023-10-18. Review status: criteria provided, single submitter. Criteria: Invitae Variant Classification Sherloc (09022015). Collection method: clinical testing. Allele origin: germline.
Comment: This sequence change replaces arginine, which is basic and polar, with glycine, which is neutral and non-polar, at codon 1606 of the MYH7 protein (p.Arg1606Gly). This variant is not present in population databases (gnomAD no frequency). This variant has not been reported in the literature in individuals affected with MYH7-related conditions. Advanced modeling of protein sequence and biophysical properties (such as structural, functional, and spatial information, amino acid conservation, physicochemical variation, residue mobility, and thermodynamic stability) performed at Invitae indicates that this missense variant is expected to disrupt MYH7 protein function. In summary, the available evidence is currently insufficient to determine the role of this variant in disease. Therefore, it has been classified as a Variant of Uncertain Significance.